The following is an entry in ClinVar:

NM_013448.3(BAZ1A):c.2717A>G (p.Glu906Gly)

Gene: BAZ1A (bromodomain adjacent to zinc finger domain 1A; minus strand). Cytogenetic location: 14q13.1.
Variant type: single nucleotide variant.
Coding change: c.2717A>G on transcript NM_013448.3 (MANE Select); coding-DNA position 2717, A replaced by G.
Protein change: p.Glu906Gly; replaces glutamic acid 906 with glycine.
Molecular consequence: missense variant.
Genome position (GRCh38, 1-based): chr14:34,776,035, T>C on the plus strand (A>G on the coding strand, the complement: BAZ1A is on the minus strand). VCF-style: chr14-34776035-T-C. GRCh37 (hg19) VCF-style: chr14-35245241-T-C.
Other names: c.2621A>G, p.Glu874Gly (NM_182648.2); short protein forms E874G, E906G.
Identifiers: ClinVar variation 3043885 (VCV003043885.2), dbSNP rs113407134, ClinGen allele CA7152839.

ClinVar aggregate classification (germline): Likely benign (0 of 4 stars; one submission).

Conditions:
BAZ1A-related disorder. Also called: BAZ1A-related condition.

Allele frequency attached by ClinVar (database versions not stated): gnomAD exomes 0.00027; ExAC 0.00102; ESP Exome Variant Server 0.00323; gnomAD 0.00329; TOPMed 0.00359; 1000 Genomes Project 30x 0.00406; 1000 Genomes Project 0.00419.
gnomAD v4.1: 900 of 1,614,204 alleles (0.056%); highest among the groups gnomAD compares: African/African-American, 1.1%; 5 homozygotes.

Submission:

PreventionGenetics, part of Exact Sciences
Classification: Likely benign for BAZ1A-related condition. Last evaluated: 2020-06-05. Review status: no assertion criteria provided. Collection method: clinical testing. Allele origin: germline.
Comment: This variant is classified as likely benign based on ACMG/AMP sequence variant interpretation guidelines (Richards et al. 2015 PMID: 25741868, with internal and published modifications).